The following is an entry in ClinVar:

NM_000719.7(CACNA1C):c.3717+11G>A

Gene: CACNA1C (calcium voltage-gated channel subunit alpha1 C; plus strand). Cytogenetic location: 12p13.33.
Variant type: single nucleotide variant.
Coding change: c.3717+11G>A on transcript NM_000719.7 (MANE Select); 11 bases into the intron after coding-DNA position 3717, G replaced by A.
Molecular consequence: intron variant.
Genome position (GRCh38, 1-based): chr12:2,610,710, G>A. VCF-style: chr12-2610710-G-A. GRCh37 (hg19) VCF-style: chr12-2719876-G-A.
Other names: c.3717+11G>A (NM_001167624.3, NM_001167623.2, NM_001167625.2 and 15 more transcripts); c.3777+11G>A (NM_199460.4, NM_001129827.2, NM_001129832.2); c.3708+11G>A (NM_001129844.2).
Identifiers: ClinVar variation 1226085 (VCV001226085.12), dbSNP rs763622598, ClinGen allele CA6389284.

ClinVar aggregate classification (germline): Benign/Likely benign. Review status: criteria provided, multiple submitters, no conflicts (2 of 4 stars). 3 submissions from 3 submitters: Benign (2); Likely benign (1). Last evaluated 2026-01-11.

Conditions:
Long QT syndrome (LQTS). Identifiers: MedGen C0023976, MeSH D008133, MONDO:0002442. Disease mechanism: loss of function. Inheritance: Various modes of inheritance.

Allele frequency attached by ClinVar (database versions not stated): TOPMed 0.00003; ExAC 0.00004; gnomAD exomes 0.00004.
gnomAD v4.1: 22 of 1,614,122 alleles (0.0014%); highest among the groups gnomAD compares: Admixed American, 0.027%; no homozygotes.

Submissions (3):

Labcorp Genetics (formerly Invitae), Labcorp
Classification: Likely benign for Long QT syndrome. Last evaluated: 2026-01-11. Review status: criteria provided, single submitter. Criteria: Invitae Variant Classification Sherloc (09022015). Collection method: clinical testing. Allele origin: germline.

Women's Health and Genetics/Laboratory Corporation of America, LabCorp
Classification: Benign. Last evaluated: 2022-01-17. Review status: criteria provided, single submitter. Criteria: LabCorp Variant Classification Summary - May 2015. Collection method: clinical testing. Allele origin: germline.
Comment: Variant summary: CACNA1C c.3717+11G>A alters a non-conserved nucleotide located close to a canonical splice site and therefore could affect mRNA splicing, leading to a significantly altered protein sequence. 4/4 computational tools predict no significant impact on normal splicing. However, these predictions have yet to be confirmed by functional studies. The variant allele was found at a frequency of 4e-05 in 250264 control chromosomes, predominantly at a frequency of 0.00029 within the Latino subpopulation in the gnomAD database. The observed variant frequency within Latino control individuals in the gnomAD database is approximately 29 fold of the estimated maximal expected allele frequency for a pathogenic variant in CACNA1C causing Arrhythmia phenotype (1e-05), strongly suggesting that the variant is a benign polymorphism found primarily in populations of Latino origin. To our knowledge, no occurrence of c.3717+11G>A in individuals affected with Arrhythmia and no experimental evidence demonstrating its impact on protein function have been reported. One ClinVar submitter has assessed this variant since 2014: the variant was classified as benign. Based on the evidence outlined above, the variant was classified as benign.

GeneDx
Classification: Benign. Last evaluated: 2015-03-03. Review status: criteria provided, single submitter. Criteria: GeneDx Variant Classification Process June 2021. Collection method: clinical testing. Allele origin: germline. Affected: yes.